The following is an entry in ClinVar:

ClinVar aggregate classification (germline): Uncertain significance (1 of 4 stars; one submission).

Conditions:
TTC21B-related disorder. Also called: TTC21B-related disorders; TTC21B-related condition.

gnomAD v4.1: 12 of 1,609,188 alleles (0.00075%); highest among the groups gnomAD compares: African/African-American, 0.0013%; no homozygotes.

Submission:

PreventionGenetics, part of Exact Sciences
Classification: Uncertain significance for TTC21B-related condition. Last evaluated: 2026-09-23. Review status: criteria provided, single submitter. Criteria: ACMG Guidelines, 2015. Collection method: clinical testing. Allele origin: germline.
Comment: The TTC21B c.2320A>G variant is predicted to result in the amino acid substitution p.Met774Val. To our knowledge, this variant has not been reported in the literature. This variant is reported in 0.0033% of alleles in individuals of South Asian descent in gnomAD. At this time, the clinical significance of this variant is uncertain due to the absence of conclusive functional and genetic evidence.

NM_024753.5(TTC21B):c.2320A>G (p.Met774Val)

Gene: TTC21B (tetratricopeptide repeat domain 21B; minus strand). Cytogenetic location: 2q24.3.
Variant type: single nucleotide variant.
Coding change: c.2320A>G on transcript NM_024753.5 (MANE Select); coding-DNA position 2320, A replaced by G.
Protein change: p.Met774Val; replaces methionine 774 with valine.
Molecular consequence: missense variant.
Genome position (GRCh38, 1-based): chr2:165,912,516, T>C on the plus strand (A>G on the coding strand, the complement: TTC21B is on the minus strand). VCF-style: chr2-165912516-T-C. GRCh37 (hg19) VCF-style: chr2-166769026-T-C.
Other names: short protein forms M774V.
Identifiers: ClinVar variation 4997872 (VCV004997872.1).
Genomic context (GRCh38, chr2:165,912,516, plus strand): 5'-AGGACAGGGTATGATAAATTTGATGCAACAGACATATTTCAAACAATAAAGTACTTACCA[T>C]TGAGTAGTTATGAGTTTTGATAAGTGCTTTGCCCATTTTGCTTGCCAATGTTCCATCTTT-3'
Protein context (NP_079029.3, residues 764-784): KALIKTHNYS[Met774Val]AITYYEAALK